The following is an entry in ClinVar:

ClinVar aggregate classification (germline): Uncertain significance. Review status: criteria provided, multiple submitters, no conflicts (2 of 4 stars). 2 submissions from 2 submitters: Uncertain significance (2). Last evaluated 2024-03-25.

Conditions:
Nemaline myopathy 2 (NEM2). Also called: Nemaline myopathy 2, autosomal recessive. Identifiers: MedGen C1850569, MONDO:0009725, OMIM 256030.

Allele frequency attached by ClinVar (database versions not stated): gnomAD exomes below 0.00001.
gnomAD v4.1: 3 of 1,613,926 alleles (0.00019%); highest among the groups gnomAD compares: South Asian, 0.0011%; no homozygotes.

Submissions (2):

Genomic Medicine Center of Excellence, King Faisal Specialist Hospital and Research Centre
Classification: Uncertain significance for Nemaline myopathy 2. Last evaluated: 2024-03-25. Review status: criteria provided, single submitter. Criteria: ACMG Guidelines, 2015. Collection method: research. Allele origin: germline.

Baylor Genetics
Classification: Uncertain significance for Nemaline myopathy 2. Last evaluated: 2019-10-29. Review status: criteria provided, single submitter. Criteria: ACMG Guidelines, 2015. Collection method: clinical testing. Allele origin: unknown. Affected: yes.
Comment: This variant was determined to be of uncertain significance according to ACMG Guidelines, 2015 [PMID:25741868].

NM_001164508.2(NEB):c.9278T>C (p.Leu3093Pro)

Gene: NEB (nebulin; minus strand). Cytogenetic location: 2q23.3.
Variant type: single nucleotide variant.
Coding change: c.9278T>C on transcript NM_001164508.2 (MANE Select); coding-DNA position 9278, T replaced by C.
Protein change: p.Leu3093Pro; replaces leucine 3093 with proline.
Molecular consequence: missense variant. On other transcripts: intron variant (1).
Genome position (GRCh38, 1-based): chr2:151,633,790, A>G on the plus strand (T>C on the coding strand, the complement: NEB is on the minus strand). VCF-style: chr2-151633790-A-G. GRCh37 (hg19) VCF-style: chr2-152490304-A-G.
Other names: c.9278T>C, p.Leu3093Pro (NM_001164507.2, NM_001271208.2); c.8854-2612T>C (NM_004543.5); short protein forms L3093P.
Identifiers: ClinVar variation 1027781 (VCV001027781.3), dbSNP rs2098711068, ClinGen allele CA348803452.